The following is an entry in ClinVar:

NM_001206999.2(CIT):c.420A>T (p.Ser140=)

Gene: CIT (citron rho-interacting serine/threonine kinase; minus strand). Cytogenetic location: 12q24.23.
Variant type: single nucleotide variant.
Coding change: c.420A>T on transcript NM_001206999.2 (MANE Select); coding-DNA position 420, A replaced by T.
Protein change: p.Ser140=; no amino-acid change (serine 140 retained).
Molecular consequence: synonymous variant.
Genome position (GRCh38, 1-based): chr12:119,850,270, T>A on the plus strand (A>T on the coding strand, the complement: CIT is on the minus strand). VCF-style: chr12-119850270-T-A. GRCh37 (hg19) VCF-style: chr12-120288074-T-A.
Other names: c.420A>T, p.Ser140= (NM_007174.3); c.420A>T (NM_001206999.1).
Identifiers: ClinVar variation 2179326 (VCV002179326.14), dbSNP rs146054076, ClinGen allele CA6822414.

ClinVar aggregate classification (germline): Likely benign. Review status: criteria provided, multiple submitters, no conflicts (2 of 4 stars). 3 submissions from 3 submitters: Likely benign (2). 1 of the submissions does not count toward it. Last evaluated 2025-07-10.

Conditions:
CIT-related disorder. Also called: CIT-related condition.

Allele frequency attached by ClinVar (database versions not stated): gnomAD 0.00007; gnomAD exomes 0.00007; ExAC 0.00011; ESP Exome Variant Server 0.00023.
gnomAD v4.1: 106 of 1,605,166 alleles (0.0066%); highest among the groups gnomAD compares: Non-Finnish European, 0.0085%; no homozygotes.

Submissions (4):

Labcorp Genetics (formerly Invitae), Labcorp
Classification: Likely benign. Last evaluated: 2025-07-10. Review status: criteria provided, single submitter. Criteria: Invitae Variant Classification Sherloc (09022015). Collection method: clinical testing. Allele origin: germline.

CeGaT Center for Human Genetics Tuebingen
Classification: Likely benign. Last evaluated: 2025-02-01. Review status: criteria provided, single submitter. Criteria: CeGaT Center For Human Genetics Tuebingen Variant Classification Criteria Version 2. Collection method: clinical testing. Allele origin: germline. Affected: yes. Observed: 1 variant allele.
Comment: CIT: BP4, BP7

PreventionGenetics, part of Exact Sciences
Classification: Likely benign for CIT-related condition. Last evaluated: 2019-08-01. Review status: no assertion criteria provided. Collection method: clinical testing. Allele origin: germline. Not counted in ClinVar's aggregate classification.
Comment: This variant is classified as likely benign based on ACMG/AMP sequence variant interpretation guidelines (Richards et al. 2015 PMID: 25741868, with internal and published modifications).

Dr. Peter K. Rogan Lab, Western University
No classification provided (evidence only). Condition: Gastric cancer. Review status: no classification provided. Collection method: in vitro. Allele origin: not applicable. Functional consequence: retained intron. Not counted in ClinVar's aggregate classification.